The following is an entry in ClinVar:

NM_006361.6(HOXB13):c.333G>A (p.Ala111=)

Gene: HOXB13 (homeobox B13; minus strand). Cytogenetic location: 17q21.32.
Variant type: single nucleotide variant.
Coding change: c.333G>A on transcript NM_006361.6 (MANE Select); coding-DNA position 333, G replaced by A.
Protein change: p.Ala111=; no amino-acid change (alanine 111 retained).
Molecular consequence: synonymous variant.
Genome position (GRCh38, 1-based): chr17:48,728,261, C>T on the plus strand (G>A on the coding strand, the complement: HOXB13 is on the minus strand). VCF-style: chr17-48728261-C-T. GRCh37 (hg19) VCF-style: chr17-46805623-C-T.
Identifiers: ClinVar variation 1730397 (VCV001730397.10), dbSNP rs757423683, ClinGen allele CA8634007.

ClinVar aggregate classification (germline): Benign/Likely benign. Review status: criteria provided, multiple submitters, no conflicts (2 of 4 stars). 3 submissions from 3 submitters: Benign (1); Likely benign (2). Last evaluated 2025-06-11.

Conditions:
Prostate cancer, hereditary, 9 (HPC9). Identifiers: Orphanet 1331, MedGen C1970250, MONDO:0012597, OMIM 610997.
Hereditary cancer-predisposing syndrome. Also called: Neoplastic Syndromes, Hereditary; Tumor predisposition; Hereditary Cancer Syndrome; Hereditary neoplastic syndrome. Identifiers: Orphanet 140162, MedGen C0027672, MeSH D009386, MONDO:0015356.

Allele frequency attached by ClinVar (database versions not stated): ExAC 0.00002.
gnomAD v4.1: 8 of 1,614,166 alleles (0.0005%); highest among the groups gnomAD compares: East Asian, 0.011%; no homozygotes.

Submissions (3):

Labcorp Genetics (formerly Invitae), Labcorp
Classification: Likely benign. Last evaluated: 2025-06-11. Review status: criteria provided, single submitter. Criteria: Invitae Variant Classification Sherloc (09022015). Collection method: clinical testing. Allele origin: germline.

Myriad Genetics, Inc.
Classification: Benign for Prostate cancer, hereditary, 9. Last evaluated: 2024-10-29. Review status: criteria provided, single submitter. Criteria: Myriad Autosomal Dominant, Autosomal Recessive and X-Linked Classification Criteria (2023). Collection method: clinical testing. Allele origin: unknown.
Comment: This variant is considered benign. This variant is a silent/synonymous amino acid change and it is not expected to impact splicing.

Ambry Genetics
Classification: Likely benign for Hereditary cancer-predisposing syndrome. Last evaluated: 2021-06-29. Review status: criteria provided, single submitter. Criteria: Ambry Variant Classification Scheme 2023. Collection method: clinical testing. Allele origin: germline.